The following is an entry in ClinVar:

ClinVar aggregate classification (germline): Uncertain significance. Review status: criteria provided, multiple submitters, no conflicts (2 of 4 stars). 2 submissions from 2 submitters: Uncertain significance (2). Last evaluated 2025-01-13.

Conditions:
Hereditary cancer-predisposing syndrome. Also called: Neoplastic Syndromes, Hereditary; Tumor predisposition; Hereditary Cancer Syndrome; Hereditary neoplastic syndrome. Identifiers: Orphanet 140162, MedGen C0027672, MeSH D009386, MONDO:0015356.

Submissions (2):

Ambry Genetics
Classification: Uncertain significance for Hereditary cancer-predisposing syndrome. Last evaluated: 2025-01-13. Review status: criteria provided, single submitter. Criteria: Ambry Variant Classification Scheme 2023. Collection method: clinical testing. Allele origin: germline.
Comment: The p.N266K variant (also known as c.798C>A), located in coding exon 2 of the HOXB13 gene, results from a C to A substitution at nucleotide position 798. The asparagine at codon 266 is replaced by lysine, an amino acid with similar properties. This amino acid position is conserved. In addition, the in silico prediction for this alteration is inconclusive. Based on the available evidence, the clinical significance of this variant remains unclear.

Labcorp Genetics (formerly Invitae), Labcorp
Classification: Uncertain significance. Last evaluated: 2023-01-05. Review status: criteria provided, single submitter. Criteria: Invitae Variant Classification Sherloc (09022015). Collection method: clinical testing. Allele origin: germline.
Comment: In summary, the available evidence is currently insufficient to determine the role of this variant in disease. Therefore, it has been classified as a Variant of Uncertain Significance. Advanced modeling of protein sequence and biophysical properties (such as structural, functional, and spatial information, amino acid conservation, physicochemical variation, residue mobility, and thermodynamic stability) performed at Invitae indicates that this missense variant is expected to disrupt HOXB13 protein function. This variant has not been reported in the literature in individuals affected with HOXB13-related conditions. This variant is not present in population databases (gnomAD no frequency). This sequence change replaces asparagine, which is neutral and polar, with lysine, which is basic and polar, at codon 266 of the HOXB13 protein (p.Asn266Lys).

NM_006361.6(HOXB13):c.798C>A (p.Asn266Lys)

Gene: HOXB13 (homeobox B13; minus strand). Cytogenetic location: 17q21.32.
Variant type: single nucleotide variant.
Coding change: c.798C>A on transcript NM_006361.6 (MANE Select); coding-DNA position 798, C replaced by A.
Protein change: p.Asn266Lys; replaces asparagine 266 with lysine.
Molecular consequence: missense variant.
Genome position (GRCh38, 1-based): chr17:48,726,847, G>T on the plus strand (C>A on the coding strand, the complement: HOXB13 is on the minus strand). VCF-style: chr17-48726847-G-T. GRCh37 (hg19) VCF-style: chr17-46804209-G-T.
Other names: short protein forms N266K.
Identifiers: ClinVar variation 2817267 (VCV002817267.4), dbSNP rs990843946, ClinGen allele CA400105606.